The following is an entry in ClinVar:

NM_001042492.3(NF1):c.3113+4del

Gene: NF1 (neurofibromin 1; plus strand). Cytogenetic location: 17q11.2.
Variant type: Deletion.
Coding change: c.3113+4del on transcript NM_001042492.3 (MANE Select); 4 bases into the intron after coding-DNA position 3113, one base deleted (A; older notation c.3113+4delA).
Molecular consequence: intron variant.
Genome position (GRCh38, 1-based): chr17:31,230,386, A deleted. VCF-style (leftmost placement, unchanged base first): chr17-31230385-GA-G. GRCh37 (hg19) VCF-style: chr17-29557403-GA-G.
Other names: c.3113+4del (NM_000267.4).
Identifiers: ClinVar variation 4735074 (VCV004735074.1).

ClinVar aggregate classification (germline): Uncertain significance (1 of 4 stars; one submission).

Conditions:
Neurofibromatosis, type 1 (NF1). Also called: VON RECKLINGHAUSEN DISEASE; Peripheral type neurofibromatosis; NEUROFIBROMATOSIS, TYPE I, SOMATIC; Neurofibromatosis, type I. Identifiers: Orphanet 636, MedGen C0027831, MONDO:0018975, OMIM 162200. Disease mechanism: loss of function.

Submission:

Labcorp Genetics (formerly Invitae), Labcorp
Classification: Uncertain significance for Neurofibromatosis, type 1. Last evaluated: 2026-01-11. Review status: criteria provided, single submitter. Criteria: Invitae Variant Classification Sherloc (09022015). Collection method: clinical testing. Allele origin: germline.
Comment: This sequence change falls in intron 23 of the NF1 gene. It does not directly change the encoded amino acid sequence of the NF1 protein. It affects a nucleotide within the consensus splice site. This variant is not present in population databases (gnomAD no frequency). This variant has not been reported in the literature in individuals affected with NF1-related conditions. Variants that disrupt the consensus splice site are a relatively common cause of aberrant splicing (PMID: 17576681, 9536098). Algorithms developed to predict the effect of sequence changes on RNA splicing suggest that this variant may disrupt the consensus splice site. In summary, the available evidence is currently insufficient to determine the role of this variant in disease. Therefore, it has been classified as a Variant of Uncertain Significance.

Literature cited by the submitters: PubMed 17576681; PubMed 9536098.